The following is an entry in ClinVar:

NM_033004.4(NLRP1):c.3069T>G (p.His1023Gln)

Gene: NLRP1 (NLR family pyrin domain containing 1; minus strand). Cytogenetic location: 17p13.2.
Variant type: single nucleotide variant.
Coding change: c.3069T>G on transcript NM_033004.4 (MANE Select); coding-DNA position 3069, T replaced by G.
Protein change: p.His1023Gln; replaces histidine 1023 with glutamine.
Molecular consequence: missense variant.
Genome position (GRCh38, 1-based): chr17:5,533,368, A>C on the plus strand (T>G on the coding strand, the complement: NLRP1 is on the minus strand). VCF-style: chr17-5533368-A-C. GRCh37 (hg19) VCF-style: chr17-5436688-A-C.
Other names: c.3069T>G, p.His1023Gln (NM_001033053.3, NM_014922.5); c.2979T>G, p.His993Gln (NM_033006.4, NM_033007.4); short protein forms H1023Q, H993Q.
Identifiers: ClinVar variation 4529977 (VCV004529977.1).

ClinVar aggregate classification (germline): Uncertain significance (1 of 4 stars; one submission).

Submission:

GeneDx
Classification: Uncertain significance. Last evaluated: 2025-05-13. Review status: criteria provided, single submitter. Criteria: GeneDx Variant Classification Process June 2021. Collection method: clinical testing. Allele origin: germline. Affected: yes.
Comment: Not observed at significant frequency in large population cohorts (gnomAD); In silico analysis suggests that this missense variant does not alter protein structure/function; Has not been previously published as pathogenic or benign to our knowledge